The following is an entry in ClinVar:

NM_014780.5(CUL7):c.5093G>T (p.Arg1698Leu)

Gene: CUL7 (cullin 7; minus strand). Cytogenetic location: 6p21.1.
Variant type: single nucleotide variant.
Coding change: c.5093G>T on transcript NM_014780.5 (MANE Select); coding-DNA position 5093, G replaced by T.
Protein change: p.Arg1698Leu; replaces arginine 1698 with leucine.
Molecular consequence: missense variant.
Genome position (GRCh38, 1-based): chr6:43,037,692, C>A on the plus strand (G>T on the coding strand, the complement: CUL7 is on the minus strand). VCF-style: chr6-43037692-C-A. GRCh37 (hg19) VCF-style: chr6-43005430-C-A.
Other names: c.5189G>T, p.Arg1730Leu (NM_001168370.2, NM_001374872.1); c.5105G>T, p.Arg1702Leu (NM_001374873.1); c.5090G>T, p.Arg1697Leu (NM_001374874.1); short protein forms R1697L, R1698L, R1730L, R1702L.
Identifiers: ClinVar variation 1936926 (VCV001936926.3), dbSNP rs541161018, ClinGen allele CA364178187.

ClinVar aggregate classification (germline): Uncertain significance (1 of 4 stars; one submission).

Submission:

Labcorp Genetics (formerly Invitae), Labcorp
Classification: Uncertain significance. Last evaluated: 2022-10-24. Review status: criteria provided, single submitter. Criteria: Invitae Variant Classification Sherloc (09022015). Collection method: clinical testing. Allele origin: germline.
Comment: In summary, the available evidence is currently insufficient to determine the role of this variant in disease. Therefore, it has been classified as a Variant of Uncertain Significance. Algorithms developed to predict the effect of missense changes on protein structure and function are either unavailable or do not agree on the potential impact of this missense change (SIFT: "Deleterious"; PolyPhen-2: "Probably Damaging"; Align-GVGD: "Class C0"). This variant has not been reported in the literature in individuals affected with CUL7-related conditions. This variant is present in population databases (no rsID available, gnomAD 0.01%). This sequence change replaces arginine, which is basic and polar, with leucine, which is neutral and non-polar, at codon 1698 of the CUL7 protein (p.Arg1698Leu).